The following is an entry in ClinVar:

ClinVar aggregate classification (germline): Conflicting classifications of pathogenicity. Review status: criteria provided, conflicting classifications (1 of 4 stars). 2 submissions from 2 submitters: Uncertain significance (1); Likely benign (1). Last evaluated 2023-01-01.

Conditions:
Curry-Hall syndrome (WAD). Also called: WEYERS ACRODENTAL DYSOSTOSIS. Identifiers: Orphanet 952, MedGen C0457013, MONDO:0008673, OMIM 193530.

Allele frequency attached by ClinVar (database versions not stated): gnomAD 0.00001; TOPMed 0.00002; gnomAD exomes 0.00003; ExAC 0.00004.
gnomAD v4.1: 32 of 1,613,396 alleles (0.002%); highest among the groups gnomAD compares: Middle Eastern, 0.049%; no homozygotes.

Submissions (2):

CeGaT Center for Human Genetics Tuebingen
Classification: Likely benign. Last evaluated: 2023-01-01. Review status: criteria provided, single submitter. Criteria: CeGaT Center For Human Genetics Tuebingen Variant Classification Criteria Version 2. Collection method: clinical testing. Allele origin: germline. Affected: yes. Observed: 1 variant allele.
Comment: EVC: BP4

Baylor Genetics
Classification: Uncertain significance for Curry-Hall syndrome. Last evaluated: 2018-03-27. Review status: criteria provided, single submitter. Criteria: ACMG Guidelines, 2015. Collection method: clinical testing. Allele origin: paternal. Affected: yes.
Comment: This variant was determined to be of uncertain significance according to ACMG Guidelines, 2015 [PMID:25741868].

NM_153717.3(EVC):c.1957G>A (p.Gly653Ser)

Gene: EVC (EvC ciliary complex subunit 1; plus strand). Cytogenetic location: 4p16.2.
Variant type: single nucleotide variant.
Coding change: c.1957G>A on transcript NM_153717.3 (MANE Select); coding-DNA position 1957, G replaced by A.
Protein change: p.Gly653Ser; replaces glycine 653 with serine.
Molecular consequence: missense variant.
Genome position (GRCh38, 1-based): chr4:5,797,092, G>A. VCF-style: chr4-5797092-G-A. GRCh37 (hg19) VCF-style: chr4-5798819-G-A.
Other names: c.1957G>A, p.Gly653Ser (NM_001306090.2); short protein forms G653S.
Identifiers: ClinVar variation 1032511 (VCV001032511.26), dbSNP rs762716384, ClinGen allele CA2836330.